The following is an entry in ClinVar:

NM_014467.3(SRPX2):c.127G>A (p.Glu43Lys)

Gene: SRPX2 (sushi repeat containing protein X-linked 2; plus strand). Cytogenetic location: Xq22.1.
Variant type: single nucleotide variant.
Coding change: c.127G>A on transcript NM_014467.3 (MANE Select); coding-DNA position 127, G replaced by A.
Protein change: p.Glu43Lys; replaces glutamic acid 43 with lysine.
Molecular consequence: missense variant.
Genome position (GRCh38, 1-based): chrX:100,650,829, G>A. VCF-style: chrX-100650829-G-A. GRCh37 (hg19) VCF-style: chrX-99905826-G-A.
Other names: p.E43K:GAG>AAG; short protein forms E43K.
Identifiers: ClinVar variation 207398 (VCV000207398.3), dbSNP rs755987679, ClinGen allele CA318821.

ClinVar aggregate classification (germline): Uncertain significance. Review status: criteria provided, single submitter (1 of 4 stars). 2 submissions from 2 submitters: Uncertain significance (1). 1 of the submissions does not count toward it. Last evaluated 2016-07-29.

Conditions:
SRPX2-related disorder. Also called: SRPX2-related condition.

Allele frequency attached by ClinVar (database versions not stated): ExAC below 0.00001; gnomAD exomes 0.00001 and 0.00005.

Submissions (2):

GeneDx
Classification: Uncertain significance. Last evaluated: 2016-07-29. Review status: criteria provided, single submitter. Criteria: GeneDx Variant Classification (06012015). Collection method: clinical testing. Allele origin: germline. Affected: yes.
Comment: The E43K variant in the SRPX2 gene has not been reported previously as a pathogenic variant, nor as a benign variant, to our knowledge. The E43K variant was not observed in approximately 6,500 individuals of European and African American ancestry in the NHLBI Exome Sequencing Project, indicating it is not a common benign variant in these populations. The E43K variant is a non-conservative amino acid substitution, which is likely to impact secondary protein structure as these residues differ in polarity, charge, size and/or other properties. This substitution occurs at a position that is conserved across species. In silico analysis is inconsistent in its predictions as to whether or not the variant is damaging to the protein structure/function. We interpret E43K as a variant of uncertain significance.

PreventionGenetics, part of Exact Sciences
Classification: Uncertain significance for SRPX2-related condition. Last evaluated: 2024-06-08. Review status: no assertion criteria provided. Collection method: clinical testing. Allele origin: germline. Not counted in ClinVar's aggregate classification.
Comment: The SRPX2 c.127G>A variant is predicted to result in the amino acid substitution p.Glu43Lys. To our knowledge, this variant has not been reported in the literature. This variant is reported in 0.0024% of alleles in individuals of European (Non-Finnish) descent in gnomAD. At this time, the clinical significance of this variant is uncertain due to the absence of conclusive functional and genetic evidence.